The following is an entry in ClinVar:

ClinVar aggregate classification (germline): Uncertain significance (1 of 4 stars; one submission).

Allele frequency attached by ClinVar (database versions not stated): gnomAD exomes below 0.00001.
gnomAD v4.1: 2 of 1,613,976 alleles (0.00012%); highest among the groups gnomAD compares: Middle Eastern, 0.017%; no homozygotes.

Submission:

Labcorp Genetics (formerly Invitae), Labcorp
Classification: Uncertain significance. Last evaluated: 2021-04-17. Review status: criteria provided, single submitter. Criteria: Invitae Variant Classification Sherloc (09022015). Collection method: clinical testing. Allele origin: germline.
Comment: In summary, the available evidence is currently insufficient to determine the role of this variant in disease. Therefore, it has been classified as a Variant of Uncertain Significance. Advanced modeling of protein sequence and biophysical properties (such as structural, functional, and spatial information, amino acid conservation, physicochemical variation, residue mobility, and thermodynamic stability) performed at Invitae indicates that this missense variant is expected to disrupt DUOX2 protein function. This variant has not been reported in the literature in individuals with DUOX2-related conditions. This variant is not present in population databases (ExAC no frequency). This sequence change replaces phenylalanine with leucine at codon 1495 of the DUOX2 protein (p.Phe1495Leu). The phenylalanine residue is highly conserved and there is a small physicochemical difference between phenylalanine and leucine.

NM_001363711.2(DUOX2):c.4483T>C (p.Phe1495Leu)

Gene: DUOX2 (dual oxidase 2; minus strand). Cytogenetic location: 15q21.1.
Variant type: single nucleotide variant.
Coding change: c.4483T>C on transcript NM_001363711.2 (MANE Select); coding-DNA position 4483, T replaced by C.
Protein change: p.Phe1495Leu; replaces phenylalanine 1495 with leucine.
Molecular consequence: missense variant.
Genome position (GRCh38, 1-based): chr15:45,094,604, A>G on the plus strand (T>C on the coding strand, the complement: DUOX2 is on the minus strand). VCF-style: chr15-45094604-A-G. GRCh37 (hg19) VCF-style: chr15-45386802-A-G.
Other names: c.4483T>C, p.Phe1495Leu (NM_014080.5); short protein forms F1495L.
Identifiers: ClinVar variation 1388657 (VCV001388657.8), dbSNP rs2141138988, ClinGen allele CA392249842.